The following is an entry in ClinVar:

NM_207111.4(RNF216):c.2662G>A (p.Val888Met)

Gene: RNF216 (ring finger protein 216; minus strand). Cytogenetic location: 7p22.1.
Variant type: single nucleotide variant.
Coding change: c.2662G>A on transcript NM_207111.4 (MANE Select); coding-DNA position 2662, G replaced by A.
Protein change: p.Val888Met; replaces valine 888 with methionine.
Molecular consequence: missense variant.
Genome position (GRCh38, 1-based): chr7:5,622,970, C>T on the plus strand (G>A on the coding strand, the complement: RNF216 is on the minus strand). VCF-style: chr7-5622970-C-T. GRCh37 (hg19) VCF-style: chr7-5662601-C-T.
Other names: c.2491G>A, p.Val831Met (NM_001377156.1, NM_207116.3); c.2662G>A (NM_207111.3); short protein forms V831M, V888M.
Identifiers: ClinVar variation 1345630 (VCV001345630.7), dbSNP rs760106512, ClinGen allele CA4147726.

ClinVar aggregate classification (germline): Uncertain significance. Review status: criteria provided, multiple submitters, no conflicts (2 of 4 stars). 2 submissions from 2 submitters: Uncertain significance (2). Last evaluated 2024-10-15.

Conditions:
Inborn genetic diseases. Identifiers: MedGen C0950123, MeSH D030342.

Allele frequency attached by ClinVar (database versions not stated): ExAC 0.00008.
gnomAD v4.1: 47 of 1,613,862 alleles (0.0029%); highest among the groups gnomAD compares: Admixed American, 0.033%; no homozygotes.

Submissions (2):

Labcorp Genetics (formerly Invitae), Labcorp
Classification: Uncertain significance. Last evaluated: 2024-10-15. Review status: criteria provided, single submitter. Criteria: Invitae Variant Classification Sherloc (09022015). Collection method: clinical testing. Allele origin: germline.
Comment: This sequence change replaces valine, which is neutral and non-polar, with methionine, which is neutral and non-polar, at codon 888 of the RNF216 protein (p.Val888Met). This variant is present in population databases (rs760106512, gnomAD 0.04%). This variant has not been reported in the literature in individuals affected with RNF216-related conditions. ClinVar contains an entry for this variant (Variation ID: 1345630). An algorithm developed to predict the effect of missense changes on protein structure and function (PolyPhen-2) suggests that this variant is likely to be disruptive. In summary, the available evidence is currently insufficient to determine the role of this variant in disease. Therefore, it has been classified as a Variant of Uncertain Significance.

Ambry Genetics
Classification: Uncertain significance for Inborn genetic diseases. Last evaluated: 2021-07-06. Review status: criteria provided, single submitter. Criteria: Ambry Variant Classification Scheme 2023. Collection method: clinical testing. Allele origin: germline.